The following is an entry in ClinVar:

ClinVar aggregate classification (germline): Benign. Review status: criteria provided, single submitter (1 of 4 stars). 2 submissions from 2 submitters: Benign (1). 1 of the submissions does not count toward it. Last evaluated 2025-08-08.

Conditions:
SLC9A3-related disorder. Also called: SLC9A3-related condition.

Allele frequency attached by ClinVar (database versions not stated): gnomAD 0.00001 and 0.00015; TOPMed 0.00002; gnomAD exomes 0.00016 and 0.00038; ExAC 0.00089; 1000 Genomes Project 30x 0.00109; 1000 Genomes Project 0.00140.
gnomAD v4.1: 253 of 1,583,522 alleles (0.016%); highest among the groups gnomAD compares: South Asian, 0.22%; 2 homozygotes.

Submissions (2):

Labcorp Genetics (formerly Invitae), Labcorp
Classification: Benign. Last evaluated: 2025-08-08. Review status: criteria provided, single submitter. Criteria: Invitae Variant Classification Sherloc (09022015). Collection method: clinical testing. Allele origin: germline.

PreventionGenetics, part of Exact Sciences
Classification: Likely benign for SLC9A3-related condition. Last evaluated: 2021-04-21. Review status: no assertion criteria provided. Collection method: clinical testing. Allele origin: germline. Not counted in ClinVar's aggregate classification.
Comment: This variant is classified as likely benign based on ACMG/AMP sequence variant interpretation guidelines (Richards et al. 2015 PMID: 25741868, with internal and published modifications).

NM_004174.4(SLC9A3):c.1002C>T (p.Thr334=)

Gene: SLC9A3 (solute carrier family 9 member A3). Cytogenetic location: 5p15.33.
Variant type: single nucleotide variant.
Coding change: c.1002C>T on transcript NM_004174.4 (MANE Select); coding-DNA position 1002, C replaced by T.
Protein change: p.Thr334=; no amino-acid change (threonine 334 retained).
Molecular consequence: synonymous variant.
Genome position (GRCh38, 1-based): chr5:483,413, G>A on the plus strand (C>T on the coding strand, the complement: SLC9A3 is on the minus strand). VCF-style: chr5-483413-G-A. GRCh37 (hg19) VCF-style: chr5-483528-G-A.
Other names: c.1002C>T, p.Thr334= (NM_001284351.3); c.1002C>T (NM_004174.3).
Identifiers: ClinVar variation 1599021 (VCV001599021.11), dbSNP rs528584160, ClinGen allele CA3176103.